The following is an entry in ClinVar:

NM_012469.4(PRPF6):c.760_761del (p.Arg254fs)

Gene: PRPF6 (pre-mRNA processing factor 6; plus strand). Cytogenetic location: 20q13.33.
Variant type: Deletion.
Coding change: c.760_761del on transcript NM_012469.4 (MANE Select); coding-DNA positions 760 to 761, 2 bases deleted (AG; older notation c.760_761delAG).
Protein change: p.Arg254fs; shifts the reading frame from arginine 254.
Molecular consequence: frameshift variant.
Genome position (GRCh38, 1-based): chr20:63,995,471-63,995,472, AG deleted; deleting any 2 consecutive bases within chr20:63,995,470-63,995,472 gives the same sequence; the c. name uses the placement nearest the transcript's 3' end. VCF-style (leftmost placement, unchanged base first): chr20-63995469-TGA-T. GRCh37 (hg19) VCF-style: chr20-62626822-TGA-T.
Other names: short protein forms R254fs.
Identifiers: ClinVar variation 2012511 (VCV002012511.4), dbSNP rs2517618198, ClinGen allele CA2580098488.

ClinVar aggregate classification (germline): Uncertain significance (1 of 4 stars; one submission).

Submission:

Labcorp Genetics (formerly Invitae), Labcorp
Classification: Uncertain significance. Last evaluated: 2022-06-30. Review status: criteria provided, single submitter. Criteria: Invitae Variant Classification Sherloc (09022015). Collection method: clinical testing. Allele origin: germline.
Comment: In summary, the available evidence is currently insufficient to determine the role of this variant in disease. Therefore, it has been classified as a Variant of Uncertain Significance. This variant has not been reported in the literature in individuals affected with PRPF6-related conditions. This variant is not present in population databases (gnomAD no frequency). This sequence change creates a premature translational stop signal (p.Arg254Alafs*6) in the PRPF6 gene. It is expected to result in an absent or disrupted protein product. However, the current clinical and genetic evidence is not sufficient to establish whether loss-of-function variants in PRPF6 cause disease.